The following is an entry in ClinVar:

NM_001349206.2(LPIN1):c.704A>G (p.Glu235Gly)

Gene: LPIN1 (lipin 1; plus strand). Cytogenetic location: 2p25.1.
Variant type: single nucleotide variant.
Coding change: c.704A>G on transcript NM_001349206.2 (MANE Select); coding-DNA position 704, A replaced by G.
Protein change: p.Glu235Gly; replaces glutamic acid 235 with glycine.
Molecular consequence: missense variant. On other transcripts: non-coding transcript variant (1).
Genome position (GRCh38, 1-based): chr2:11,773,727, A>G. VCF-style: chr2-11773727-A-G. GRCh37 (hg19) VCF-style: chr2-11913853-A-G.
Other names: c.704A>G, p.Glu235Gly (NM_001349202.2, NM_001349203.2, NM_001349204.2 and 5 more transcripts); c.794A>G, p.Glu265Gly (NM_001349207.2); c.851A>G, p.Glu284Gly (NM_001349208.2, NM_001261428.3); c.722A>G, p.Glu241Gly (NM_001261427.3); short protein forms E265G, E284G, E235G, E241G.
Identifiers: ClinVar variation 1356022 (VCV001356022.5), dbSNP rs2148639109, ClinGen allele CA345854358.
Genomic context (GRCh38, chr2:11,773,727, plus strand): 5'-AAAACCTCTCCCTGGCTGTGATTTACCCTCAGTCAGCCTCATACCCTAATTCGGATAGAG[A>G]GTGGTCACCCACTCCCAGGTAAGCTGTTCCCTGTTCCCCTGGCCCAGTGCAGAGGCTTAG-3'
Protein context (NP_001336135.1, residues 225-245): QSASYPNSDR[Glu235Gly]WSPTPSSLVD

ClinVar aggregate classification (germline): Uncertain significance (1 of 4 stars; one submission).

gnomAD v4.1: 3 of 1,614,066 alleles (0.00019%); highest among the groups gnomAD compares: Non-Finnish European, 0.00025%; no homozygotes.

Submission:

Labcorp Genetics (formerly Invitae), Labcorp
Classification: Uncertain significance. Last evaluated: 2021-08-31. Review status: criteria provided, single submitter. Criteria: Invitae Variant Classification Sherloc (09022015). Collection method: clinical testing. Allele origin: germline.
Comment: This sequence change replaces glutamic acid with glycine at codon 235 of the LPIN1 protein (p.Glu235Gly). The glutamic acid residue is moderately conserved and there is a moderate physicochemical difference between glutamic acid and glycine. This variant is not present in population databases (ExAC no frequency). This variant has not been reported in the literature in individuals affected with LPIN1-related conditions. Algorithms developed to predict the effect of missense changes on protein structure and function are either unavailable or do not agree on the potential impact of this missense change (SIFT: "Deleterious"; PolyPhen-2: "Benign"; Align-GVGD: "Class C0"). In summary, the available evidence is currently insufficient to determine the role of this variant in disease. Therefore, it has been classified as a Variant of Uncertain Significance.